The following is an entry in ClinVar:

NM_031407.7(HUWE1):c.9779G>A (p.Gly3260Glu)

Gene: HUWE1 (HECT, UBA and WWE domain containing E3 ubiquitin protein ligase 1; minus strand). Cytogenetic location: Xp11.22.
Variant type: single nucleotide variant.
Coding change: c.9779G>A on transcript NM_031407.7 (MANE Select); coding-DNA position 9779, G replaced by A.
Protein change: p.Gly3260Glu; replaces glycine 3260 with glutamic acid.
Molecular consequence: missense variant.
Genome position (GRCh38, 1-based): chrX:53,549,215, C>T on the plus strand (G>A on the coding strand, the complement: HUWE1 is on the minus strand). VCF-style: chrX-53549215-C-T. GRCh37 (hg19) VCF-style: chrX-53576176-C-T.
Other names: short protein forms G3260E.
Identifiers: ClinVar variation 2778313 (VCV002778313.3), dbSNP rs374079237, ClinGen allele CA10421622.

ClinVar aggregate classification (germline): Uncertain significance (1 of 4 stars; one submission).

Allele frequency attached by ClinVar (database versions not stated): TOPMed 0.00001; ESP Exome Variant Server 0.00009; ExAC 0.00001.

Submission:

Labcorp Genetics (formerly Invitae), Labcorp
Classification: Uncertain significance. Last evaluated: 2025-06-12. Review status: criteria provided, single submitter. Criteria: Invitae Variant Classification Sherloc (09022015). Collection method: clinical testing. Allele origin: germline.
Comment: This sequence change replaces glycine, which is neutral and non-polar, with glutamic acid, which is acidic and polar, at codon 3260 of the HUWE1 protein (p.Gly3260Glu). This variant is present in population databases (rs374079237, gnomAD 0.008%). This variant has not been reported in the literature in individuals affected with HUWE1-related conditions. ClinVar contains an entry for this variant (Variation ID: 2778313). Invitae Evidence Modeling of protein sequence and biophysical properties (such as structural, functional, and spatial information, amino acid conservation, physicochemical variation, residue mobility, and thermodynamic stability) has been performed for this missense variant. However, the output from this modeling did not meet the statistical confidence thresholds required to predict the impact of this variant on HUWE1 protein function. In summary, the available evidence is currently insufficient to determine the role of this variant in disease. Therefore, it has been classified as a Variant of Uncertain Significance.